The following is an entry in ClinVar:

NM_001060.6(TBXA2R):c.558G>A (p.Thr186=)

Gene: TBXA2R (thromboxane A2 receptor; minus strand). Cytogenetic location: 19p13.3.
Variant type: single nucleotide variant.
Coding change: c.558G>A on transcript NM_001060.6 (MANE Select); coding-DNA position 558, G replaced by A.
Protein change: p.Thr186=; no amino-acid change (threonine 186 retained).
Molecular consequence: synonymous variant.
Genome position (GRCh38, 1-based): chr19:3,600,077, C>T on the plus strand (G>A on the coding strand, the complement: TBXA2R is on the minus strand). VCF-style: chr19-3600077-C-T. GRCh37 (hg19) VCF-style: chr19-3600075-C-T.
Other names: p.Thr186=; c.558G>A, p.Thr186= (NM_201636.3).
Identifiers: ClinVar variation 768954 (VCV000768954.10), dbSNP rs34881364, ClinGen allele CA9080832.

ClinVar aggregate classification (germline): Benign/Likely benign. Review status: criteria provided, multiple submitters, no conflicts (2 of 4 stars). 3 submissions from 3 submitters: Benign (2); Likely benign (1). Last evaluated 2026-01-27.

Allele frequency attached by ClinVar (database versions not stated): gnomAD exomes 0.00171; 1000 Genomes Project 0.00859; gnomAD 0.00661 and 0.00697; TOPMed 0.00706; 1000 Genomes Project 30x 0.00999; ExAC 0.00192; ESP Exome Variant Server 0.00596.

Submissions (3):

Labcorp Genetics (formerly Invitae), Labcorp
Classification: Benign. Last evaluated: 2026-01-27. Review status: criteria provided, single submitter. Criteria: Invitae Variant Classification Sherloc (09022015). Collection method: clinical testing. Allele origin: germline.

Mayo Clinic Laboratories, Mayo Clinic
Classification: Likely benign. Last evaluated: 2025-04-14. Review status: criteria provided, single submitter. Criteria: ACMG Guidelines, 2015. Collection method: clinical testing. Allele origin: germline. Observed: 4 variant alleles.
Comment: BS1, BP4, BP7

Breakthrough Genomics
Classification: Benign. Review status: criteria provided, single submitter. Criteria: ACMG Guidelines, 2015. Collection method: not provided. Allele origin: germline. Inheritance: Autosomal dominant inheritance. Affected: yes.